The following is an entry in ClinVar:

ClinVar aggregate classification (germline): Uncertain significance (1 of 4 stars; one submission).

Conditions:
Charcot-Marie-Tooth disease dominant intermediate F. Identifiers: Orphanet 352670, MedGen C4749463, MONDO:0014074, OMIM 615185.

Submission:

Labcorp Genetics (formerly Invitae), Labcorp
Classification: Uncertain significance for Charcot-Marie-Tooth disease dominant intermediate F. Last evaluated: 2018-12-20. Review status: criteria provided, single submitter. Criteria: Invitae Variant Classification Sherloc (09022015). Collection method: clinical testing. Allele origin: germline.
Comment: In summary, the available evidence is currently insufficient to determine the role of this variant in disease. Therefore, it has been classified as a Variant of Uncertain Significance. Algorithms developed to predict the effect of missense changes on protein structure and function are either unavailable or do not agree on the potential impact of this missense change (SIFT: "Deleterious"; PolyPhen-2: "Benign"; Align-GVGD: "Class C0"). This variant has not been reported in the literature in individuals with GNB4-related conditions. This variant is not present in population databases (ExAC no frequency). This sequence change replaces asparagine with isoleucine at codon 36 of the GNB4 protein (p.Asn36Ile). The asparagine residue is weakly conserved and there is a large physicochemical difference between asparagine and isoleucine.

NM_021629.4(GNB4):c.107A>T (p.Asn36Ile)

Gene: GNB4 (G protein subunit beta 4; minus strand). Cytogenetic location: 3q26.33.
Variant type: single nucleotide variant.
Coding change: c.107A>T on transcript NM_021629.4 (MANE Select); coding-DNA position 107, A replaced by T.
Protein change: p.Asn36Ile; replaces asparagine 36 with isoleucine.
Molecular consequence: missense variant.
Genome position (GRCh38, 1-based): chr3:179,419,495, T>A on the plus strand (A>T on the coding strand, the complement: GNB4 is on the minus strand). VCF-style: chr3-179419495-T-A. GRCh37 (hg19) VCF-style: chr3-179137283-T-A.
Other names: short protein forms N36I.
Identifiers: ClinVar variation 649448 (VCV000649448.8), dbSNP rs1577031106, ClinGen allele CA355471176.